The following is an entry in ClinVar:

ClinVar aggregate classification (germline): Uncertain significance. Review status: criteria provided, multiple submitters, no conflicts (2 of 4 stars). 3 submissions from 3 submitters: Uncertain significance (3). Last evaluated 2026-04-02.

Conditions:
Hereditary cancer-predisposing syndrome. Also called: Tumor predisposition; Hereditary neoplastic syndrome; Neoplastic Syndromes, Hereditary; Hereditary Cancer Syndrome. Identifiers: Orphanet 140162, MedGen C0027672, MeSH D009386, MONDO:0015356.
Tuberous sclerosis 2 (TSC2). Identifiers: Orphanet 805, MedGen C1860707, MONDO:0013199, OMIM 613254.

gnomAD v4.1: 1 of 1,612,664 alleles (0.000062%); highest among the groups gnomAD compares: African/African-American, 0.0013%; no homozygotes.

Submissions (3):

Dasa
Classification: Uncertain significance for Tuberous sclerosis 2. Last evaluated: 2026-04-02. Review status: criteria provided, single submitter. Criteria: DASA Assertion Criteria. Collection method: clinical testing. Allele origin: germline.
Comment: NM_000548.5(TSC2):c.709C>T (p.Pro237Ser) is a missense variant that results in the substitution of proline with serine. This variant is rare in population databases. The currently available literature and clinical evidence are not sufficient to establish a definitive association between this variant and the reported condition. Therefore, this variant is classified as a variant of uncertain significance.

Labcorp Genetics (formerly Invitae), Labcorp
Classification: Uncertain significance for Tuberous sclerosis 2. Last evaluated: 2025-03-17. Review status: criteria provided, single submitter. Criteria: Invitae Variant Classification Sherloc (09022015). Collection method: clinical testing. Allele origin: germline.
Comment: This sequence change replaces proline, which is neutral and non-polar, with serine, which is neutral and polar, at codon 237 of the TSC2 protein (p.Pro237Ser). This variant is not present in population databases (gnomAD no frequency). This variant has not been reported in the literature in individuals affected with TSC2-related conditions. ClinVar contains an entry for this variant (Variation ID: 486675). Invitae Evidence Modeling of protein sequence and biophysical properties (such as structural, functional, and spatial information, amino acid conservation, physicochemical variation, residue mobility, and thermodynamic stability) indicates that this missense variant is not expected to disrupt TSC2 protein function with a negative predictive value of 95%. In summary, the available evidence is currently insufficient to determine the role of this variant in disease. Therefore, it has been classified as a Variant of Uncertain Significance.

Ambry Genetics
Classification: Uncertain significance for Hereditary cancer-predisposing syndrome. Last evaluated: 2024-12-02. Review status: criteria provided, single submitter. Criteria: Ambry Variant Classification Scheme 2023. Collection method: clinical testing. Allele origin: germline.
Comment: The p.P237S variant (also known as c.709C>T), located in coding exon 7 of the TSC2 gene, results from a C to T substitution at nucleotide position 709. The proline at codon 237 is replaced by serine, an amino acid with similar properties. This amino acid position is not well conserved in available vertebrate species. In addition, the in silico prediction for this alteration is inconclusive. Based on the available evidence, the clinical significance of this variant remains unclear.

NM_000548.5(TSC2):c.709C>T (p.Pro237Ser)

Gene: TSC2 (TSC complex subunit 2; plus strand). Cytogenetic location: 16p13.3.
Variant type: single nucleotide variant.
Coding change: c.709C>T on transcript NM_000548.5 (MANE Select); coding-DNA position 709, C replaced by T.
Protein change: p.Pro237Ser; replaces proline 237 with serine.
Molecular consequence: missense variant.
Genome position (GRCh38, 1-based): chr16:2,056,704, C>T. VCF-style: chr16-2056704-C-T. GRCh37 (hg19) VCF-style: chr16-2106705-C-T.
Other names: c.709C>T, p.Pro237Ser (NM_001077183.3, NM_001114382.3, NM_001363528.2 and 3 more transcripts); c.598C>T, p.Pro200Ser (NM_001318827.2); c.562C>T, p.Pro188Ser (NM_001318829.2); c.109C>T, p.Pro37Ser (NM_001318831.2); c.742C>T, p.Pro248Ser (NM_001318832.2); short protein forms P237S, P37S, P188S, P248S, P200S.
Identifiers: ClinVar variation 486675 (VCV000486675.13), dbSNP rs1555498859, ClinGen allele CA394312708.
Genomic context (GRCh38, chr16:2,056,704, plus strand): 5'-GTCTCCCTGCAGGTGCTGGACGCCGTGGTCTGCTACAACTGCCTGCCGGCTGAGAGCCTC[C>T]CGCTGTTCATCGTTACCCTCTGTCGCACCATCAACGTCAAGGAGCTCTGCGAGCCTTGCT-3'
Protein context (NP_000539.2, residues 227-247): CYNCLPAESL[Pro237Ser]LFIVTLCRTI